The following is an entry in ClinVar:

NM_000179.3(MSH6):c.1275C>T (p.Ile425=)

Gene: MSH6 (mutS homolog 6; plus strand). Cytogenetic location: 2p16.3.
Variant type: single nucleotide variant.
Coding change: c.1275C>T on transcript NM_000179.3 (MANE Select); coding-DNA position 1275, C replaced by T.
Protein change: p.Ile425=; no amino-acid change (isoleucine 425 retained).
Molecular consequence: synonymous variant.
Genome position (GRCh38, 1-based): chr2:47,799,258, C>T. VCF-style: chr2-47799258-C-T. GRCh37 (hg19) VCF-style: chr2-48026397-C-T.
Other names: c.885C>T, p.Ile295= (NM_001281492.2); c.369C>T, p.Ile123= (NM_001281493.2, NM_001281494.2).
Identifiers: ClinVar variation 1643281 (VCV001643281.9), dbSNP rs786203122, ClinGen allele CA426120890.

ClinVar aggregate classification (germline): Benign/Likely benign. Review status: criteria provided, multiple submitters, no conflicts (2 of 4 stars). 2 submissions from 2 submitters: Benign (1); Likely benign (1). Last evaluated 2025-10-19.

Conditions:
Lynch syndrome 5 (LYNCH5). Also called: Hereditary non-polyposis colorectal cancer, type 5; Colorectal cancer, hereditary nonpolyposis, type 5. Identifiers: Orphanet 144, MedGen C1833477, MONDO:0013710, OMIM 614350. Disease mechanism: loss of function.
Hereditary nonpolyposis colorectal neoplasms. Identifiers: MedGen C0009405, MeSH D003123.

Submissions (2):

Labcorp Genetics (formerly Invitae), Labcorp
Classification: Likely benign for Hereditary nonpolyposis colorectal neoplasms. Last evaluated: 2025-10-19. Review status: criteria provided, single submitter. Criteria: Invitae Variant Classification Sherloc (09022015). Collection method: clinical testing. Allele origin: germline.

Myriad Genetics, Inc.
Classification: Benign for Lynch syndrome 5. Last evaluated: 2024-12-23. Review status: criteria provided, single submitter. Criteria: Myriad Autosomal Dominant, Autosomal Recessive and X-Linked Classification Criteria (2023). Collection method: clinical testing. Allele origin: unknown.
Comment: This variant is considered benign. This variant is a silent/synonymous amino acid change and it is not expected to impact splicing.